The following is an entry in ClinVar:

NM_000159.4(GCDH):c.1003A>C (p.Lys335Gln)

Gene: GCDH (glutaryl-CoA dehydrogenase; plus strand). Cytogenetic location: 19p13.13.
Variant type: single nucleotide variant.
Coding change: c.1003A>C on transcript NM_000159.4 (MANE Select); coding-DNA position 1003, A replaced by C.
Protein change: p.Lys335Gln; replaces lysine 335 with glutamine.
Molecular consequence: missense variant. On other transcripts: non-coding transcript variant (2).
Genome position (GRCh38, 1-based): chr19:12,897,349, A>C. VCF-style: chr19-12897349-A-C. GRCh37 (hg19) VCF-style: chr19-13008163-A-C.
Other names: c.1003A>C, p.Lys335Gln (NM_013976.5); short protein forms K335Q.
Identifiers: ClinVar variation 2635512 (VCV002635512.1), dbSNP rs2512576036, ClinGen allele CA404319966.

ClinVar aggregate classification (germline): Uncertain significance (1 of 4 stars; one submission).

Conditions:
GCDH-related disorder. Also called: GCDH-related condition.

Submission:

PreventionGenetics, part of Exact Sciences
Classification: Uncertain significance for GCDH-related condition. Last evaluated: 2022-11-20. Review status: criteria provided, single submitter. Criteria: ACMG Guidelines, 2015. Collection method: clinical testing. Allele origin: germline.
Comment: The GCDH c.1003A>C variant is predicted to result in the amino acid substitution p.Lys335Gln. To our knowledge, this variant has not been reported in the literature or in a large population database, indicating this variant is rare. At this time, the clinical significance of this variant is uncertain due to the absence of conclusive functional and genetic evidence.